The following is an entry in ClinVar:

ClinVar aggregate classification (germline): Benign (1 of 4 stars; one submission).

Submission:

CeGaT Center for Human Genetics Tuebingen
Classification: Benign. Last evaluated: 2022-05-01. Review status: criteria provided, single submitter. Criteria: CeGaT Center For Human Genetics Tuebingen Variant Classification Criteria Version 2. Collection method: clinical testing. Allele origin: germline. Affected: yes. Observed: 1 variant allele.
Comment: FOXP1: BS1, BS2

NM_001349338.3(FOXP1):c.*4029del

Gene: FOXP1 (forkhead box P1; minus strand). Cytogenetic location: 3p13.
Variant type: Deletion.
Coding change: c.*4029del on transcript NM_001349338.3 (MANE Select); 4029 bases downstream of the stop codon, one base deleted (A; older notation c.*4029delA).
Molecular consequence: 3 prime UTR variant. On other transcripts: non-coding transcript variant (2).
Genome position (GRCh38, 1-based): chr3:70,955,218, T deleted on the plus strand (A on the coding strand, the reverse complement: FOXP1 is on the minus strand); the first of 8 consecutive T bases (chr3:70,955,218-70,955,225); deleting any one gives the same sequence. VCF-style (leftmost placement, unchanged base first): chr3-70955217-AT-A. GRCh37 (hg19) VCF-style: chr3-71004368-AT-A.
Other names: c.*4029del (NM_001244808.3, NM_001244810.2, NM_001244812.3 and 12 more transcripts).
Identifiers: ClinVar variation 346548 (VCV000346548.29), dbSNP rs753706183, ClinGen allele CA10617357.